The following is an entry in ClinVar:

ClinVar aggregate classification (germline): Uncertain significance. Review status: criteria provided, multiple submitters, no conflicts (2 of 4 stars). 3 submissions from 3 submitters: Uncertain significance (3). Last evaluated 2024-08-26.

Conditions:
Dilated cardiomyopathy 1G (CMD1G). Identifiers: Orphanet 154, MedGen C1858763, MONDO:0011400, OMIM 604145.
Autosomal recessive limb-girdle muscular dystrophy type 2J (LGMDR10). Also called: Limb-girdle muscular dystrophy, type 2J; MUSCULAR DYSTROPHY, LIMB-GIRDLE, AUTOSOMAL RECESSIVE 10. Identifiers: Orphanet 140922, MedGen C1837342, MONDO:0012127, OMIM 608807.
Hypertrophic cardiomyopathy 9. Also called: Familial hypertrophic cardiomyopathy 9. Identifiers: MedGen C1861065, MONDO:0013412, OMIM 613765.
Early-onset myopathy with fatal cardiomyopathy (CMYO5). Also called: CONGENITAL MYOPATHY 5 WITH CARDIOMYOPATHY; Salih Myopathy. Identifiers: Orphanet 289377, MedGen C2673677, MONDO:0012714, OMIM 611705. Disease mechanism: loss of function.
Myopathy, myofibrillar, 9, with early respiratory failure (MFM9). Also called: EDSTROM MYOPATHY; MYOPATHY, PROXIMAL, WITH EARLY RESPIRATORY MUSCLE INVOLVEMENT; Hereditary myopathy with early respiratory failure; Myopathy, distal, with early respiratory failure, autosomal dominant. Identifiers: Orphanet 178464, Orphanet 34521, MedGen C1863599, MONDO:0011362, OMIM 603689.
Tibial muscular dystrophy (TMD). Also called: Tibial muscular dystrophy, tardive; UDD MYOPATHY; Udd Distal Myopathy – Tibial Muscular Dystrophy. Identifiers: Orphanet 609, MedGen C1838244, MONDO:0010870, OMIM 600334.

Allele frequency attached by ClinVar (database versions not stated): gnomAD exomes below 0.00001 and 0.00003; gnomAD 0.00001 and 0.00002; TOPMed 0.00001.
gnomAD v4.1: 47 of 1,613,868 alleles (0.0029%); highest among the groups gnomAD compares: Non-Finnish European, 0.004%; no homozygotes.

Submissions (3):

GeneDx
Classification: Uncertain significance. Last evaluated: 2024-08-26. Review status: criteria provided, single submitter. Criteria: GeneDx Variant Classification Process June 2021. Collection method: clinical testing. Allele origin: germline. Affected: yes.
Comment: Identified in a patient with Intra-Hisian Wenckebach-type AV-block following surgical repair of conotruncal VSD; this patient harbored additional cardiogenetic variants (PMID: 37938799); Not observed at significant frequency in large population cohorts (gnomAD); Missense variant in a gene in which most reported pathogenic variants are truncating/loss of function; This variant is associated with the following publications: (PMID: 37938799)

Labcorp Genetics (formerly Invitae), Labcorp
Classification: Uncertain significance for Dilated cardiomyopathy 1G; Autosomal recessive limb-girdle muscular dystrophy type 2J. Last evaluated: 2023-08-24. Review status: criteria provided, single submitter. Criteria: Invitae Variant Classification Sherloc (09022015). Collection method: clinical testing. Allele origin: germline.
Comment: In summary, the available evidence is currently insufficient to determine the role of this variant in disease. Therefore, it has been classified as a Variant of Uncertain Significance. This variant is located in the M band of TTN (PMID: 25589632). Variants in this region may be relevant for neuromuscular disorders, but have not been definitively shown to cause cardiomyopathy (PMID: 23975875). Experimental studies and prediction algorithms are not available or were not evaluated, and the functional significance of this variant is currently unknown. ClinVar contains an entry for this variant (Variation ID: 1002869). This variant has not been reported in the literature in individuals affected with TTN-related conditions. This variant is present in population databases (no rsID available, gnomAD 0.0009%). This sequence change replaces isoleucine, which is neutral and non-polar, with phenylalanine, which is neutral and non-polar, at codon 35957 of the TTN protein (p.Ile35957Phe).

Fulgent Genetics
Classification: Uncertain significance for Tibial muscular dystrophy; Myopathy, myofibrillar, 9, with early respiratory failure; Dilated cardiomyopathy 1G; Autosomal recessive limb-girdle muscular dystrophy type 2J; Early-onset myopathy with fatal cardiomyopathy; Hypertrophic cardiomyopathy 9. Last evaluated: 2021-07-13. Review status: criteria provided, single submitter. Criteria: ACMG Guidelines, 2015. Collection method: clinical testing. Allele origin: unknown.

Literature cited by the submitters: PubMed 25589632 (cited by Labcorp Genetics (formerly Invitae), Labcorp); PubMed 23975875 (cited by Labcorp Genetics (formerly Invitae), Labcorp).

NM_001267550.2(TTN):c.107869A>T (p.Ile35957Phe)

Genes: TTN (titin; minus strand), TTN-AS1 (TTN antisense RNA 1; plus strand). Cytogenetic location: 2q31.2.
Variant type: single nucleotide variant.
Coding change: c.107869A>T on transcript NM_001267550.2 (MANE Select); coding-DNA position 107869, A replaced by T.
Protein change: p.Ile35957Phe; replaces isoleucine 35957 with phenylalanine.
Molecular consequence: missense variant.
Genome position (GRCh38, 1-based): chr2:178,527,119, T>A on the plus strand (A>T on the coding strand, the complement: TTN is on the minus strand). VCF-style: chr2-178527119-T-A. GRCh37 (hg19) VCF-style: chr2-179391846-T-A.
Other names: c.107869A>T (NM_001267550.1); c.80674A>T, p.Ile26892Phe (NM_003319.4); c.100165A>T, p.Ile33389Phe (NM_133378.4); c.81049A>T, p.Ile27017Phe (NM_133432.3); c.81250A>T, p.Ile27084Phe (NM_133437.4); c.102946A>T, p.Ile34316Phe (NM_001256850.1); short protein forms I26892F, I27017F, I27084F, I33389F, I34316F, I35957F.
Identifiers: ClinVar variation 1002869 (VCV001002869.8), dbSNP rs950902715, ClinGen allele CA60948655.
Genomic context (GRCh38, chr2:178,527,119, plus strand): 5'-ATTCATTCCCTAAACTCAGGGTATAAAGTCCACCATCTTGTTTCTGTACGTCCATGATGA[T>A]CAGGGTTGTCAGGTCATCTGTGTTTTCAATGTGGAACCTCCCCTGTTCTTGACTGTGGAT-3'
Protein context (NP_001254479.2, residues 35947-35967): IENTDDLTTL[Ile35957Phe]IMDVQKQDGG